The following is an entry in ClinVar:

ClinVar aggregate classification (germline): Uncertain significance. Review status: criteria provided, multiple submitters, no conflicts (2 of 4 stars). 2 submissions from 2 submitters: Uncertain significance (2). Last evaluated 2025-08-23.

Conditions:
Hereditary cancer-predisposing syndrome. Also called: Tumor predisposition; Neoplastic Syndromes, Hereditary; Hereditary neoplastic syndrome; Hereditary Cancer Syndrome. Identifiers: Orphanet 140162, MedGen C0027672, MeSH D009386, MONDO:0015356.

Submissions (2):

Ambry Genetics
Classification: Uncertain significance for Hereditary cancer-predisposing syndrome. Last evaluated: 2025-08-23. Review status: criteria provided, single submitter. Criteria: Ambry Variant Classification Scheme 2023. Collection method: clinical testing. Allele origin: germline.
Comment: The p.I1484T variant (also known as c.4451T>C), located in coding exon 35 of the POLE gene, results from a T to C substitution at nucleotide position 4451. The isoleucine at codon 1484 is replaced by threonine, an amino acid with similar properties. This amino acid position is conserved. In addition, this alteration is predicted to be tolerated by in silico analysis. Based on the available evidence, the clinical significance of this variant remains unclear.

Revvity Omics, Revvity
Classification: Uncertain significance. Last evaluated: 2024-12-19. Review status: criteria provided, single submitter. Criteria: ACMG Guidelines, 2015. Collection method: clinical testing. Allele origin: germline.

NM_006231.4(POLE):c.4451T>C (p.Ile1484Thr)

Gene: POLE (DNA polymerase epsilon, catalytic subunit; minus strand). Cytogenetic location: 12q24.33.
Variant type: single nucleotide variant.
Coding change: c.4451T>C on transcript NM_006231.4 (MANE Select); coding-DNA position 4451, T replaced by C.
Protein change: p.Ile1484Thr; replaces isoleucine 1484 with threonine.
Molecular consequence: missense variant.
Genome position (GRCh38, 1-based): chr12:132,643,324, A>G on the plus strand (T>C on the coding strand, the complement: POLE is on the minus strand). VCF-style: chr12-132643324-A-G. GRCh37 (hg19) VCF-style: chr12-133219910-A-G.
Other names: c.4451T>C (NM_006231.2); short protein forms I1484T.
Identifiers: ClinVar variation 4079767 (VCV004079767.2).